The following is an entry in ClinVar:

NM_025216.3(WNT10A):c.909_916del (p.His303fs)

Gene: WNT10A (Wnt family member 10A; plus strand). Cytogenetic location: 2q35.
Variant type: Deletion.
Coding change: c.909_916del on transcript NM_025216.3 (MANE Select); coding-DNA positions 909 to 916, 8 bases deleted (CAACCGCA; older notation c.909_916delCAACCGCA).
Protein change: p.His303fs; shifts the reading frame from histidine 303.
Molecular consequence: frameshift variant.
Genome position (GRCh38, 1-based): chr2:218,892,926-218,892,933, CAACCGCA deleted; deleting any 8 consecutive bases within chr2:218,892,921-218,892,933 gives the same sequence; the c. name uses the placement nearest the transcript's 3' end. VCF-style (leftmost placement, unchanged base first): chr2-218892920-GCCGCACAA-G. GRCh37 (hg19) VCF-style: chr2-219757642-GCCGCACAA-G.
Other names: short protein forms H303fs.
Identifiers: ClinVar variation 844473 (VCV000844473.10), dbSNP rs1944671913, ClinGen allele CA916082290.
Genomic context (GRCh38, chr2:218,892,920, plus strand): 5'-CGAGTTCCGCACCGTGGGGGCGCTGCTGCGCAGCCGCTTCCACCGCGCCACGCTCATCCG[GCCGCACAA>G]CCGCAACGGCGGCCAGCTGGAGCCGGGCCCAGCGGGGGCACCCTCGCCGGCTCCGGGCGC-3'

ClinVar aggregate classification (germline): Pathogenic (1 of 4 stars; one submission).

Conditions:
Odonto-onycho-dermal dysplasia. Identifiers: Orphanet 2721, MedGen C0796093, MONDO:0009773, OMIM 257980.
Tooth agenesis, selective, 4 (STHAG4). Also called: SUCCEDANEOUS TEETH, AGENESIS OF; TOOTH AGENESIS, SELECTIVE, 4, WITH OR WITHOUT ECTODERMAL DYSPLASIA; LATERAL INCISORS, ABSENCE OF; LATERAL INCISORS, PEGGED OR MISSING. Identifiers: Orphanet 99798, MedGen C1835492, MONDO:0007881, OMIM 150400. Disease mechanism: loss of function.

Submission:

Labcorp Genetics (formerly Invitae), Labcorp
Classification: Pathogenic for Tooth agenesis, selective, 4; Odonto-onycho-dermal dysplasia. Last evaluated: 2019-04-05. Review status: criteria provided, single submitter. Criteria: Invitae Variant Classification Sherloc (09022015). Collection method: clinical testing. Allele origin: germline.
Comment: This variant has not been reported in the literature in individuals with WNT10A-related conditions. This sequence change results in a premature translational stop signal in the WNT10A gene (p.His303Glnfs*122). While this is not anticipated to result in nonsense mediated decay, it is expected to disrupt the last 115 amino acids of the WNT10A protein and extend the protein by an additional 7 amino acids.. The frequency data for this variant in the population databases is considered unreliable, as metrics indicate insufficient coverage at this position in the ExAC database. This variant disrupts the C-terminus of the WNT10A protein. Other variant(s) that disrupt this region (p.Cys376*, p.Ala317Glyfs*111) have been determined to be pathogenic (PMID:19559398, 28976000). This suggests that variants that disrupt this region of the protein are likely to be causative of disease. For these reasons, this variant has been classified as Pathogenic.

Literature cited by the submitters: PubMed 19559398; PubMed 28976000.